The following is an entry in ClinVar:

NM_000540.3(RYR1):c.7438G>A (p.Gly2480Ser)

Gene: RYR1 (ryanodine receptor 1; plus strand). Cytogenetic location: 19q13.2.
Variant type: single nucleotide variant.
Coding change: c.7438G>A on transcript NM_000540.3 (MANE Select); coding-DNA position 7438, G replaced by A.
Protein change: p.Gly2480Ser; replaces glycine 2480 with serine.
Molecular consequence: missense variant.
Genome position (GRCh38, 1-based): chr19:38,500,720, G>A. VCF-style: chr19-38500720-G-A. GRCh37 (hg19) VCF-style: chr19-38991360-G-A.
Other names: c.7438G>A, p.Gly2480Ser (NM_001042723.2); short protein forms G2480S.
Identifiers: ClinVar variation 3071834 (VCV003071834.1), dbSNP rs781398337, ClinGen allele CA069632.

ClinVar aggregate classification (germline): Uncertain significance (1 of 4 stars; one submission).

Conditions:
Malignant hyperthermia, susceptibility to, 1 (MHS1). Also called: Anesthesia related hyperthermia; Malignant hyperpyrexia; Fulminating hyperpyrexia; Pharmacogenic myopathy; RYR1-Related Malignant Hyperthermia Susceptibility; Malignant hyperthermia suceptibility 1. Identifiers: Orphanet 423, MedGen C2930980, MONDO:0007783, OMIM 145600.

Allele frequency attached by ClinVar (database versions not stated): gnomAD exomes below 0.00001; ExAC 0.00001; gnomAD 0.00001.

Submission:

All of Us Research Program, National Institutes of Health
Classification: Uncertain significance for Malignant hyperthermia, susceptibility to, 1. Last evaluated: 2023-07-22. Review status: criteria provided, single submitter. Criteria: ACMG Guidelines, 2015. Collection method: clinical testing. Allele origin: germline. Inheritance: Autosomal dominant inheritance. Observed: 2 variant alleles, 2 heterozygotes.
Comment: This missense variant replaces glycine with serine at codon 2480 of the RYR1 protein. Computational prediction is inconclusive regarding the impact of this variant on protein structure and function (internally defined REVEL score threshold 0.5 < inconclusive < 0.7, PMID: 27666373). To our knowledge, functional studies have not been reported for this variant. This variant has not been reported in individuals affected with RYR1-related disorders in the literature. This variant has been identified in 2/282560 chromosomes in the general population by the Genome Aggregation Database (gnomAD). The available evidence is insufficient to determine the role of this variant in disease conclusively. Therefore, this variant is classified as a Variant of Uncertain Significance.

This study involves interpretation of variants in research participants for the purpose of population health screening. Participant phenotype was not available at the time of variant classification. Additional details can be found in publication PMID: 35346344, PMCID: PMC8962531